The following is an entry in ClinVar:

ClinVar aggregate classification (germline): Uncertain significance (1 of 4 stars; one submission).

Conditions:
Very long chain acyl-CoA dehydrogenase deficiency (ACADVLD). Also called: Very Long-Chain Acyl-Coenzyme A Dehydrogenase Deficiency; VLCAD Deficiency. Identifiers: Orphanet 26793, MedGen C3887523, MONDO:0008723, OMIM 201475.

Allele frequency attached by ClinVar (database versions not stated): gnomAD 0.00001; TOPMed 0.00001.
gnomAD v4.1: 1 of 1,613,798 alleles (0.000062%); highest among the groups gnomAD compares: African/African-American, 0.0013%; no homozygotes.

Submission:

Labcorp Genetics (formerly Invitae), Labcorp
Classification: Uncertain significance for Very long chain acyl-CoA dehydrogenase deficiency. Last evaluated: 2022-02-27. Review status: criteria provided, single submitter. Criteria: Invitae Variant Classification Sherloc (09022015). Collection method: clinical testing. Allele origin: germline.
Comment: This sequence change falls in intron 14 of the ACADVL gene. It does not directly change the encoded amino acid sequence of the ACADVL protein. It affects a nucleotide within the consensus splice site. This variant is not present in population databases (gnomAD no frequency). This variant has not been reported in the literature in individuals affected with ACADVL-related conditions. Variants that disrupt the consensus splice site are a relatively common cause of aberrant splicing (PMID: 17576681, 9536098). Algorithms developed to predict the effect of sequence changes on RNA splicing suggest that this variant may disrupt the consensus splice site. In summary, the available evidence is currently insufficient to determine the role of this variant in disease. Therefore, it has been classified as a Variant of Uncertain Significance.

Literature cited by the submitters: PubMed 17576681; PubMed 9536098.

NM_000018.4(ACADVL):c.1435-3T>A

Gene: ACADVL (acyl-CoA dehydrogenase very long chain; plus strand). Cytogenetic location: 17p13.1.
Variant type: single nucleotide variant.
Coding change: c.1435-3T>A on transcript NM_000018.4 (MANE Select); 3 bases into the intron before coding-DNA position 1435, T replaced by A.
Molecular consequence: intron variant.
Genome position (GRCh38, 1-based): chr17:7,224,143, T>A. VCF-style: chr17-7224143-T-A. GRCh37 (hg19) VCF-style: chr17-7127462-T-A.
Other names: c.1504-3T>A (NM_001270447.2); c.1207-3T>A (NM_001270448.2); c.1369-3T>A (NM_001033859.3).
Identifiers: ClinVar variation 2103787 (VCV002103787.1), dbSNP rs1005791056, ClinGen allele CA287439893.